The following is an entry in ClinVar:

ClinVar aggregate classification (germline): Uncertain significance (1 of 4 stars; one submission).

Submission:

Mayo Clinic Laboratories, Mayo Clinic
Classification: Uncertain significance. Last evaluated: 2023-09-05. Review status: criteria provided, single submitter. Criteria: ACMG Guidelines, 2015. Collection method: clinical testing. Allele origin: germline. Observed: 1 variant allele.
Comment: BP4, PM2

NM_001012339.3(DNAJC21):c.433G>A (p.Asp145Asn)

Gene: DNAJC21 (DnaJ heat shock protein family (Hsp40) member C21; plus strand). Cytogenetic location: 5p13.2.
Variant type: single nucleotide variant.
Coding change: c.433G>A on transcript NM_001012339.3 (MANE Select); coding-DNA position 433, G replaced by A.
Protein change: p.Asp145Asn; replaces aspartic acid 145 with asparagine.
Molecular consequence: missense variant.
Genome position (GRCh38, 1-based): chr5:34,936,261, G>A. VCF-style: chr5-34936261-G-A. GRCh37 (hg19) VCF-style: chr5-34936366-G-A.
Other names: p.Asp145Asn; c.433G>A, p.Asp145Asn (NM_001348420.2, NM_194283.4); short protein forms D145N.
Identifiers: ClinVar variation 3379584 (VCV003379584.1).